The following is an entry in ClinVar:

NM_021930.6(RINT1):c.1449G>T (p.Met483Ile)

Gene: RINT1 (RAD50 interactor 1; plus strand). Cytogenetic location: 7q22.3.
Variant type: single nucleotide variant.
Coding change: c.1449G>T on transcript NM_021930.6 (MANE Select); coding-DNA position 1449, G replaced by T.
Protein change: p.Met483Ile; replaces methionine 483 with isoleucine.
Molecular consequence: missense variant. On other transcripts: non-coding transcript variant (1).
Genome position (GRCh38, 1-based): chr7:105,551,685, G>T. VCF-style: chr7-105551685-G-T. GRCh37 (hg19) VCF-style: chr7-105192132-G-T.
Other names: c.1215G>T, p.Met405Ile (NM_001346599.2); c.426G>T, p.Met142Ile (NM_001346600.2, NM_001346603.2); c.525G>T, p.Met175Ile (NM_001346601.2); short protein forms M175I, M405I, M142I, M483I.
Identifiers: ClinVar variation 1772872 (VCV001772872.7), dbSNP rs1194706049, ClinGen allele CA368810493.

ClinVar aggregate classification (germline): Uncertain significance. Review status: criteria provided, multiple submitters, no conflicts (2 of 4 stars). 2 submissions from 2 submitters: Uncertain significance (2). Last evaluated 2024-01-22.

Allele frequency attached by ClinVar (database versions not stated): TOPMed 0.00001; gnomAD 0.00003; gnomAD exomes 0.00006.
gnomAD v4.1: 96 of 1,609,246 alleles (0.006%); highest among the groups gnomAD compares: Non-Finnish European, 0.0079%; no homozygotes.

Submissions (2):

Ambry Genetics
Classification: Uncertain significance. Last evaluated: 2024-01-22. Review status: criteria provided, single submitter. Criteria: Ambry Variant Classification Scheme 2023. Collection method: clinical testing. Allele origin: germline.
Comment: The p.M483I variant (also known as c.1449G>T), located in coding exon 10 of the RINT1 gene, results from a G to T substitution at nucleotide position 1449. The methionine at codon 483 is replaced by isoleucine, an amino acid with highly similar properties. This alteration has been reported in studies of early-onset breast cancer cases and absent in control groups (Park DJ et al. Cancer Discov, 2014 Jul;4:804-15; Young EL et al. J Med Genet, 2016 06;53:366-76). This amino acid position is highly conserved in available vertebrate species. In addition, the in silico prediction for this alteration is inconclusive. The evidence for this gene-disease relationship is limited; therefore, the clinical significance of this alteration is unclear.

Labcorp Genetics (formerly Invitae), Labcorp
Classification: Uncertain significance. Last evaluated: 2022-01-23. Review status: criteria provided, single submitter. Criteria: Invitae Variant Classification Sherloc (09022015). Collection method: clinical testing. Allele origin: germline.
Comment: This sequence change replaces methionine, which is neutral and non-polar, with isoleucine, which is neutral and non-polar, at codon 483 of the RINT1 protein (p.Met483Ile). This variant is present in population databases (no rsID available, gnomAD 0.002%). This variant has not been reported in the literature in individuals affected with RINT1-related conditions. Algorithms developed to predict the effect of missense changes on protein structure and function are either unavailable or do not agree on the potential impact of this missense change (SIFT: "Deleterious"; PolyPhen-2: "Benign"; Align-GVGD: "Class C0"). In summary, the available evidence is currently insufficient to determine the role of this variant in disease. Therefore, it has been classified as a Variant of Uncertain Significance.

Literature cited by the submitters: PubMed 25050558 (cited by Ambry Genetics); PubMed 26787654 (cited by Ambry Genetics).